The following is an entry in ClinVar:

ClinVar aggregate classification (germline): Likely benign. Review status: criteria provided, multiple submitters, no conflicts (2 of 4 stars). 3 submissions from 3 submitters: Likely benign (3). Last evaluated 2025-02-01.

Allele frequency attached by ClinVar (database versions not stated): 1000 Genomes Project 0.00140; 1000 Genomes Project 30x 0.00141; ExAC 0.00163; gnomAD exomes 0.00169 and 0.00304; gnomAD 0.00182 and 0.00189; ESP Exome Variant Server 0.00238; TOPMed 0.00240.

Submissions (3):

CeGaT Center for Human Genetics Tuebingen
Classification: Likely benign. Last evaluated: 2025-02-01. Review status: criteria provided, single submitter. Criteria: CeGaT Center For Human Genetics Tuebingen Variant Classification Criteria Version 2. Collection method: clinical testing. Allele origin: germline. Affected: yes. Observed: 1 variant allele.
Comment: IL3: BP4, BS2

Labcorp Genetics (formerly Invitae), Labcorp
Classification: Likely benign. Last evaluated: 2018-07-31. Review status: criteria provided, single submitter. Criteria: Invitae Variant Classification Sherloc (09022015). Collection method: clinical testing. Allele origin: germline.

Breakthrough Genomics
Classification: Likely benign. Review status: criteria provided, single submitter. Criteria: ACMG Guidelines, 2015. Collection method: not provided. Allele origin: germline. Inheritance: Unknown mechanism. Affected: yes.

NM_000588.4(IL3):c.179A>G (p.Asn60Ser)

Gene: IL3 (interleukin 3; plus strand). Cytogenetic location: 5q31.1.
Variant type: single nucleotide variant.
Coding change: c.179A>G on transcript NM_000588.4 (MANE Select); coding-DNA position 179, A replaced by G.
Protein change: p.Asn60Ser; replaces asparagine 60 with serine.
Molecular consequence: missense variant.
Genome position (GRCh38, 1-based): chr5:132,060,983, A>G. VCF-style: chr5-132060983-A-G. GRCh37 (hg19) VCF-style: chr5-131396676-A-G.
Other names: short protein forms N60S.
Identifiers: ClinVar variation 720302 (VCV000720302.17), dbSNP rs35482671, ClinGen allele CA3402015.
Genomic context (GRCh38, chr5:132,060,983, plus strand): 5'-GGCCAAAAGGCCTCATGGGCCTTTCTCTCCCTTCACCCCCACAGGACTTCAACAACCTCA[A>G]TGGGGAAGACCAAGACATTCTGATGGTAAGAGCTCAGCCCGTGGATCCCGATCCACTTCC-3'
Protein context (NP_000579.2, residues 50-70): PLPLLDFNNL[Asn60Ser]GEDQDILMEN